The following is an entry in ClinVar:

NM_000429.3(MAT1A):c.311G>T (p.Cys104Phe)

Gene: MAT1A (methionine adenosyltransferase 1A; minus strand). Cytogenetic location: 10q22.3.
Variant type: single nucleotide variant.
Coding change: c.311G>T on transcript NM_000429.3 (MANE Select); coding-DNA position 311, G replaced by T.
Protein change: p.Cys104Phe; replaces cysteine 104 with phenylalanine.
Molecular consequence: missense variant.
Genome position (GRCh38, 1-based): chr10:80,280,774, C>A on the plus strand (G>T on the coding strand, the complement: MAT1A is on the minus strand). VCF-style: chr10-80280774-C-A. GRCh37 (hg19) VCF-style: chr10-82040530-C-A.
Other names: short protein forms C104F.
Identifiers: ClinVar variation 2864608 (VCV002864608.3), dbSNP rs2492497331, ClinGen allele CA377363120.

ClinVar aggregate classification (germline): Uncertain significance (1 of 4 stars; one submission).

Conditions:
Hepatic methionine adenosyltransferase deficiency. Also called: Isolated Persistent Hypermethioninemia; MAT I/III DEFICIENCY; Deficiency of methionine adenosyltransferase; Methionine adenosyltransferase deficiency. Identifiers: Orphanet 168598, MedGen C0268621, MeSH C564683, MONDO:0009607, OMIM 250850.

Submission:

Labcorp Genetics (formerly Invitae), Labcorp
Classification: Uncertain significance for Hepatic methionine adenosyltransferase deficiency. Last evaluated: 2023-05-15. Review status: criteria provided, single submitter. Criteria: Invitae Variant Classification Sherloc (09022015). Collection method: clinical testing. Allele origin: germline.
Comment: In summary, the available evidence is currently insufficient to determine the role of this variant in disease. Therefore, it has been classified as a Variant of Uncertain Significance. Advanced modeling of protein sequence and biophysical properties (such as structural, functional, and spatial information, amino acid conservation, physicochemical variation, residue mobility, and thermodynamic stability) has been performed at Invitae for this missense variant, however the output from this modeling did not meet the statistical confidence thresholds required to predict the impact of this variant on MAT1A protein function. This variant has not been reported in the literature in individuals affected with MAT1A-related conditions. This variant is not present in population databases (gnomAD no frequency). This sequence change replaces cysteine, which is neutral and slightly polar, with phenylalanine, which is neutral and non-polar, at codon 104 of the MAT1A protein (p.Cys104Phe).